The following is an entry in ClinVar:

ClinVar aggregate classification (germline): Uncertain significance (1 of 4 stars; one submission).

Allele frequency attached by ClinVar (database versions not stated): TOPMed 0.00001.

Submission:

Labcorp Genetics (formerly Invitae), Labcorp
Classification: Uncertain significance. Last evaluated: 2021-11-09. Review status: criteria provided, single submitter. Criteria: Invitae Variant Classification Sherloc (09022015). Collection method: clinical testing. Allele origin: germline.
Comment: Variants that disrupt the consensus splice site are a relatively common cause of aberrant splicing (PMID: 17576681, 9536098). Algorithms developed to predict the effect of sequence changes on RNA splicing suggest that this variant may disrupt the consensus splice site. Algorithms developed to predict the effect of missense changes on protein structure and function (SIFT, PolyPhen-2, Align-GVGD) all suggest that this variant is likely to be disruptive. ClinVar contains an entry for this variant (Variation ID: 405809). This variant has not been reported in the literature in individuals affected with POLE-related conditions. This variant is not present in population databases (gnomAD no frequency). This sequence change replaces arginine, which is basic and polar, with threonine, which is neutral and polar, at codon 1092 of the POLE protein (p.Arg1092Thr). This variant also falls at the last nucleotide of exon 26, which is part of the consensus splice site for this exon. In summary, the available evidence is currently insufficient to determine the role of this variant in disease. Therefore, it has been classified as a Variant of Uncertain Significance.

Literature cited by the submitters: PubMed 17576681; PubMed 9536098.

NM_006231.4(POLE):c.3275G>C (p.Arg1092Thr)

Gene: POLE (DNA polymerase epsilon, catalytic subunit; minus strand). Cytogenetic location: 12q24.33.
Variant type: single nucleotide variant.
Coding change: c.3275G>C on transcript NM_006231.4 (MANE Select); coding-DNA position 3275, G replaced by C.
Protein change: p.Arg1092Thr; replaces arginine 1092 with threonine.
Molecular consequence: missense variant.
Genome position (GRCh38, 1-based): chr12:132,659,295, C>G on the plus strand (G>C on the coding strand, the complement: POLE is on the minus strand). VCF-style: chr12-132659295-C-G. GRCh37 (hg19) VCF-style: chr12-133235881-C-G.
Other names: short protein forms R1092T.
Identifiers: ClinVar variation 405809 (VCV000405809.8), dbSNP rs1060500857, ClinGen allele CA16613879.